The following is an entry in ClinVar:

ClinVar aggregate classification (germline): Uncertain significance (1 of 4 stars; one submission).

Conditions:
Hereditary cancer-predisposing syndrome. Also called: Neoplastic Syndromes, Hereditary; Hereditary Cancer Syndrome; Hereditary neoplastic syndrome; Tumor predisposition. Identifiers: Orphanet 140162, MedGen C0027672, MeSH D009386, MONDO:0015356.

gnomAD v4.1: 1 of 1,613,814 alleles (0.000062%); highest among the groups gnomAD compares: Non-Finnish European, 0.000085%; no homozygotes.

Submission:

Ambry Genetics
Classification: Uncertain significance for Hereditary cancer-predisposing syndrome. Last evaluated: 2023-05-23. Review status: criteria provided, single submitter. Criteria: Ambry Variant Classification Scheme 2023. Collection method: clinical testing. Allele origin: germline.
Comment: The p.R362S variant (also known as c.1084C>A), located in coding exon 7 of the FLCN gene, results from a C to A substitution at nucleotide position 1084. The arginine at codon 362 is replaced by serine, an amino acid with dissimilar properties. This amino acid position is conserved. In addition, this alteration is predicted to be deleterious by in silico analysis. Since supporting evidence is limited at this time, the clinical significance of this alteration remains unclear.

NM_144997.7(FLCN):c.1084C>A (p.Arg362Ser)

Gene: FLCN (folliculin; minus strand). Cytogenetic location: 17p11.2.
Variant type: single nucleotide variant.
Coding change: c.1084C>A on transcript NM_144997.7 (MANE Select); coding-DNA position 1084, C replaced by A.
Protein change: p.Arg362Ser; replaces arginine 362 with serine.
Molecular consequence: missense variant.
Genome position (GRCh38, 1-based): chr17:17,217,161, G>T on the plus strand (C>A on the coding strand, the complement: FLCN is on the minus strand). VCF-style: chr17-17217161-G-T. GRCh37 (hg19) VCF-style: chr17-17120475-G-T.
Other names: c.1138C>A, p.Arg380Ser (NM_001353229.2); c.1084C>A, p.Arg362Ser (NM_001353230.2, NM_001353231.2); short protein forms R362S, R380S.
Identifiers: ClinVar variation 2566338 (VCV002566338.2), dbSNP rs557336321, ClinGen allele CA398532367.